The following is an entry in ClinVar:

ClinVar aggregate classification (germline): Uncertain significance (1 of 4 stars; one submission).

Conditions:
PLXNA3-related disorder. Also called: PLXNA3-related condition.

Submission:

PreventionGenetics, part of Exact Sciences
Classification: Uncertain significance for PLXNA3-related condition. Last evaluated: 2025-05-01. Review status: criteria provided, single submitter. Criteria: ACMG Guidelines, 2015. Collection method: clinical testing. Allele origin: germline.
Comment: The PLXNA3 c.1199T>C variant is predicted to result in the amino acid substitution p.Val400Ala. To our knowledge, this variant has not been reported in the literature or in a large population database (gnomAD), indicating this variant is rare. At this time, the clinical significance of this variant is uncertain due to the absence of conclusive functional and genetic evidence.

NM_017514.5(PLXNA3):c.1199T>C (p.Val400Ala)

Gene: PLXNA3 (plexin A3; plus strand). Cytogenetic location: Xq28.
Variant type: single nucleotide variant.
Coding change: c.1199T>C on transcript NM_017514.5 (MANE Select); coding-DNA position 1199, T replaced by C.
Protein change: p.Val400Ala; replaces valine 400 with alanine.
Molecular consequence: missense variant.
Genome position (GRCh38, 1-based): chrX:154,462,192, T>C. VCF-style: chrX-154462192-T-C. GRCh37 (hg19) VCF-style: chrX-153690532-T-C.
Other names: short protein forms V400A.
Identifiers: ClinVar variation 4997491 (VCV004997491.1).